The following is an entry in ClinVar:

ClinVar aggregate classification (germline): Uncertain significance (1 of 4 stars; one submission).

Conditions:
Cardiovascular phenotype. Identifiers: MedGen CN230736.

Submission:

Ambry Genetics
Classification: Uncertain significance for Cardiovascular phenotype. Last evaluated: 2019-05-07. Review status: criteria provided, single submitter. Criteria: Ambry Variant Classification Scheme 2023. Collection method: clinical testing. Allele origin: germline.
Comment: The p.C207F variant (also known as c.620G>T), located in coding exon 2 of the KCNJ8 gene, results from a G to T substitution at nucleotide position 620. The cysteine at codon 207 is replaced by phenylalanine, an amino acid with highly dissimilar properties. This amino acid position is highly conserved in available vertebrate species. In addition, this alteration is predicted to be deleterious by in silico analysis. Since supporting evidence is limited at this time, the clinical significance of this alteration remains unclear.

NM_004982.4(KCNJ8):c.620G>T (p.Cys207Phe)

Genes: KCNJ8 (potassium inwardly rectifying channel subfamily J member 8; minus strand), KCNJ8-AS1 (KCNJ8 antisense RNA 1; plus strand). Cytogenetic location: 12p12.1.
Variant type: single nucleotide variant.
Coding change: c.620G>T on transcript NM_004982.4 (MANE Select); coding-DNA position 620, G replaced by T.
Protein change: p.Cys207Phe; replaces cysteine 207 with phenylalanine.
Molecular consequence: missense variant.
Genome position (GRCh38, 1-based): chr12:21,766,378, C>A on the plus strand (G>T on the coding strand, the complement: KCNJ8 is on the minus strand). VCF-style: chr12-21766378-C-A. GRCh37 (hg19) VCF-style: chr12-21919312-C-A.
Identifiers: ClinVar variation 1752213 (VCV001752213.2), dbSNP rs2540720977, ClinGen allele CA384125463.